The following is an entry in ClinVar:

ClinVar aggregate classification (germline): Uncertain significance (1 of 4 stars; one submission).

Conditions:
Immunodeficiency 132A. Also called: Herpes simplex encephalitis, susceptibility to, 3. Identifiers: Orphanet 1930, MedGen C3553868, MONDO:0013920, OMIM 614849.

gnomAD v4.1: 3 of 1,614,212 alleles (0.00019%); highest among the groups gnomAD compares: Non-Finnish European, 0.00025%; no homozygotes.

Submission:

Labcorp Genetics (formerly Invitae), Labcorp
Classification: Uncertain significance for Immunodeficiency 132A. Last evaluated: 2023-02-08. Review status: criteria provided, single submitter. Criteria: Invitae Variant Classification Sherloc (09022015). Collection method: clinical testing. Allele origin: germline.
Comment: This sequence change replaces asparagine, which is neutral and polar, with serine, which is neutral and polar, at codon 139 of the TRAF3 protein (p.Asn139Ser). This variant is not present in population databases (gnomAD no frequency). This variant has not been reported in the literature in individuals affected with TRAF3-related conditions. Algorithms developed to predict the effect of missense changes on protein structure and function output the following: SIFT: "Tolerated"; PolyPhen-2: "Benign"; Align-GVGD: "Class C0". The serine amino acid residue is found in multiple mammalian species, which suggests that this missense change does not adversely affect protein function. In summary, the available evidence is currently insufficient to determine the role of this variant in disease. Therefore, it has been classified as a Variant of Uncertain Significance.

NM_145725.3(TRAF3):c.416A>G (p.Asn139Ser)

Gene: TRAF3 (TNF receptor associated factor 3; plus strand). Cytogenetic location: 14q32.32.
Variant type: single nucleotide variant.
Coding change: c.416A>G on transcript NM_145725.3 (MANE Select); coding-DNA position 416, A replaced by G.
Protein change: p.Asn139Ser; replaces asparagine 139 with serine.
Molecular consequence: missense variant.
Genome position (GRCh38, 1-based): chr14:102,876,371, A>G. VCF-style: chr14-102876371-A-G. GRCh37 (hg19) VCF-style: chr14-103342708-A-G.
Other names: c.416A>G, p.Asn139Ser (NM_001199427.2, NM_001385142.1, NM_001385143.1 and 2 more transcripts); short protein forms N139S.
Identifiers: ClinVar variation 2906185 (VCV002906185.3), dbSNP rs1464050160, ClinGen allele CA391070510.